The following is an entry in ClinVar:

ClinVar aggregate classification (germline): Likely pathogenic (1 of 4 stars; one submission).

Conditions:
Microcephaly with or without chorioretinopathy, lymphedema, or impaired intellectual development. Also called: MICROCEPHALY AND CHORIORETINOPATHY WITH OR WITHOUT MENTAL RETARDATION, AUTOSOMAL DOMINANT; MICROCEPHALY, LYMPHEDEMA, CHORIORETINAL DYSPLASIA SYNDROME; Microcephaly lymphedema chorioretinal dysplasia; Microcephaly with or without chorioretinopathy, lymphedema, or mental retardation; Microcephaly with or without chorioretinopathy, lymphedema, or intellectual disability. Identifiers: Orphanet 2526, MedGen C1835265, MONDO:0007918, OMIM 152950.

Submission:

Juno Genomics, Hangzhou Juno Genomics, Inc
Classification: Likely pathogenic for Microcephaly with or without chorioretinopathy, lymphedema, or impaired intellectual development. Review status: criteria provided, single submitter. Criteria: ACMG Guidelines, 2015. Collection method: clinical testing. Allele origin: germline. Affected: yes.
Comment: Absent from controls (or at extremely low frequency if recessive) in Genome Aggregation Database, Exome Sequencing Project, 1000 Genomes Project, or Exome Aggregation Consortium.;Null variant in a gene where loss of function (LOF) is a known mechanism of disease.

NM_004523.4(KIF11):c.1060dup (p.His354fs)

Gene: KIF11 (kinesin family member 11; plus strand). Cytogenetic location: 10q23.33.
Variant type: Duplication.
Coding change: c.1060dup on transcript NM_004523.4 (MANE Select); coding-DNA position 1060, one base duplicated (C; older notation c.1060dupC).
Protein change: p.His354fs; shifts the reading frame from histidine 354.
Molecular consequence: frameshift variant.
Genome position (GRCh38, 1-based): chr10:92,616,764, C duplicated. VCF-style (leftmost placement, unchanged base first): chr10-92616763-T-TC. GRCh37 (hg19) VCF-style: chr10-94376520-T-TC.
Other names: short protein forms H354fs.
Identifiers: ClinVar variation 3382017 (VCV003382017.2).